The following is an entry in ClinVar:

NM_000138.5(FBN1):c.3866A>G (p.Asn1289Ser)

Gene: FBN1 (fibrillin 1; minus strand). Cytogenetic location: 15q21.1.
Variant type: single nucleotide variant.
Coding change: c.3866A>G on transcript NM_000138.5 (MANE Select); coding-DNA position 3866, A replaced by G.
Protein change: p.Asn1289Ser; replaces asparagine 1289 with serine.
Molecular consequence: missense variant.
Genome position (GRCh38, 1-based): chr15:48,481,753, T>C on the plus strand (A>G on the coding strand, the complement: FBN1 is on the minus strand). VCF-style: chr15-48481753-T-C. GRCh37 (hg19) VCF-style: chr15-48773950-T-C.
Other names: short protein forms N1289S.
Identifiers: ClinVar variation 1328783 (VCV001328783.3), dbSNP rs2141287477, ClinGen allele CA392322497.

ClinVar aggregate classification (germline): Uncertain significance (1 of 4 stars; one submission).

Submission:

GeneDx
Classification: Uncertain significance. Last evaluated: 2022-06-01. Review status: criteria provided, single submitter. Criteria: GeneDx Variant Classification Process June 2021. Collection method: clinical testing. Allele origin: germline. Affected: yes.
Comment: Has not been previously published as pathogenic or benign to our knowledge; Not observed at significant frequency in large population cohorts (gnomAD); In silico analysis supports that this missense variant has a deleterious effect on protein structure/function; Although located in a calcium-binding EGF-like domain of the FBN1 gene, it does not affect a cysteine residue within this domain; cysteine substitutions in the calcium-binding EGF-like domains represent the majority of pathogenic missense changes associated with FBN1-related disorders (Collod-Beroud et al., 2003); This variant is associated with the following publications: (PMID: 12938084, 27535533)